The following is an entry in ClinVar:

ClinVar aggregate classification (germline): Likely benign. Review status: criteria provided, single submitter (1 of 4 stars). 2 submissions from 2 submitters: Likely benign (1). 1 of the submissions does not count toward it. Last evaluated 2022-08-09.

Conditions:
TUB-related disorder. Also called: TUB-related condition.

gnomAD v4.1: 14 of 1,532,336 alleles (0.00091%); highest among the groups gnomAD compares: African/African-American, 0.0041%; no homozygotes.

Submissions (2):

Labcorp Genetics (formerly Invitae), Labcorp
Classification: Likely benign. Last evaluated: 2022-08-09. Review status: criteria provided, single submitter. Criteria: Invitae Variant Classification Sherloc (09022015). Collection method: clinical testing. Allele origin: germline.

PreventionGenetics, part of Exact Sciences
Classification: Likely benign for TUB-related condition. Last evaluated: 2023-11-21. Review status: no assertion criteria provided. Collection method: clinical testing. Allele origin: germline. Not counted in ClinVar's aggregate classification.
Comment: This variant is classified as likely benign based on ACMG/AMP sequence variant interpretation guidelines (Richards et al. 2015 PMID: 25741868, with internal and published modifications).

NM_003320.5(TUB):c.198C>T (p.Ile66=)

Gene: TUB (TUB bipartite transcription factor; plus strand). Cytogenetic location: 11p15.4.
Variant type: single nucleotide variant.
Coding change: c.198C>T on transcript NM_003320.5; coding-DNA position 198, C replaced by T.
Protein change: p.Ile66=; no amino-acid change (isoleucine 66 retained).
Molecular consequence: synonymous variant. On other transcripts: intron variant (4).
Genome position (GRCh38, 1-based): chr11:8,039,687, C>T. VCF-style: chr11-8039687-C-T. GRCh37 (hg19) VCF-style: chr11-8061234-C-T.
Other names: c.56+20329C>T (NM_001440542.1, NM_001440538.1, NM_001440539.1 and 1 more transcripts).
Identifiers: ClinVar variation 1901707 (VCV001901707.6), dbSNP rs1449149039, ClinGen allele CA473002067.